The following is an entry in ClinVar:

ClinVar aggregate classification (germline): Uncertain significance (1 of 4 stars; one submission).

Allele frequency attached by ClinVar (database versions not stated): TOPMed below 0.00001; gnomAD 0.00001; gnomAD exomes 0.00001 and 0.00004; ExAC 0.00004.
gnomAD v4.1: 22 of 1,613,804 alleles (0.0014%); highest among the groups gnomAD compares: Middle Eastern, 0.016%; no homozygotes.

Submission:

GeneDx
Classification: Uncertain significance. Last evaluated: 2022-04-26. Review status: criteria provided, single submitter. Criteria: GeneDx Variant Classification Process June 2021. Collection method: clinical testing. Allele origin: germline. Affected: yes.
Comment: In silico analysis supports that this missense variant does not alter protein structure/function; This variant is associated with the following publications: (PMID: 32277485)

NM_014946.4(SPAST):c.782C>T (p.Ser261Leu)

Gene: SPAST (spastin; plus strand). Cytogenetic location: 2p22.3.
Variant type: single nucleotide variant.
Coding change: c.782C>T on transcript NM_014946.4 (MANE Select); coding-DNA position 782, C replaced by T.
Protein change: p.Ser261Leu; replaces serine 261 with leucine.
Molecular consequence: missense variant.
Genome position (GRCh38, 1-based): chr2:32,114,737, C>T. VCF-style: chr2-32114737-C-T. GRCh37 (hg19) VCF-style: chr2-32339806-C-T.
Other names: c.779C>T, p.Ser260Leu (NM_001363823.2); c.683C>T, p.Ser228Leu (NM_001363875.2); c.686C>T, p.Ser229Leu (NM_001377959.1, NM_199436.2); short protein forms S228L, S229L, S260L, S261L.
Identifiers: ClinVar variation 1683942 (VCV001683942.2), dbSNP rs768241184, ClinGen allele CA1600705.